The following is an entry in ClinVar:

ClinVar aggregate classification (germline): Uncertain significance (1 of 4 stars; one submission).

Conditions:
SEMA3E-related disorder. Also called: SEMA3E-related condition.

Submission:

PreventionGenetics, part of Exact Sciences
Classification: Uncertain significance for SEMA3E-related condition. Last evaluated: 2026-09-23. Review status: criteria provided, single submitter. Criteria: ACMG Guidelines, 2015. Collection method: clinical testing. Allele origin: germline.
Comment: The SEMA3E c.1136C>T variant is predicted to result in the amino acid substitution p.Pro379Leu. To our knowledge, this variant has not been reported in the literature or in a large population database (gnomAD), indicating this variant is rare. At this time, the clinical significance of this variant is uncertain due to the absence of conclusive functional and genetic evidence.

NM_012431.3(SEMA3E):c.1136C>T (p.Pro379Leu)

Gene: SEMA3E (semaphorin 3E; minus strand). Cytogenetic location: 7q21.11.
Variant type: single nucleotide variant.
Coding change: c.1136C>T on transcript NM_012431.3 (MANE Select); coding-DNA position 1136, C replaced by T.
Protein change: p.Pro379Leu; replaces proline 379 with leucine.
Molecular consequence: missense variant.
Genome position (GRCh38, 1-based): chr7:83,402,639, G>A on the plus strand (C>T on the coding strand, the complement: SEMA3E is on the minus strand). VCF-style: chr7-83402639-G-A. GRCh37 (hg19) VCF-style: chr7-83031955-G-A.
Other names: c.956C>T, p.Pro319Leu (NM_001178129.2); short protein forms P319L, P379L.
Identifiers: ClinVar variation 4994783 (VCV004994783.1).